The following is an entry in ClinVar:

ClinVar aggregate classification (germline): Uncertain significance (1 of 4 stars; one submission).

Submission:

Labcorp Genetics (formerly Invitae), Labcorp
Classification: Uncertain significance. Last evaluated: 2021-12-31. Review status: criteria provided, single submitter. Criteria: Invitae Variant Classification Sherloc (09022015). Collection method: clinical testing. Allele origin: germline.
Comment: This variant has not been reported in the literature in individuals affected with LRRCC1-related conditions. This variant is not present in population databases (gnomAD no frequency). This sequence change replaces glutamic acid, which is acidic and polar, with glutamine, which is neutral and polar, at codon 334 of the LRRCC1 protein (p.Glu334Gln). Algorithms developed to predict the effect of missense changes on protein structure and function are either unavailable or do not agree on the potential impact of this missense change (SIFT: "Deleterious"; PolyPhen-2: "Probably Damaging"; Align-GVGD: "Class C0"). In summary, the available evidence is currently insufficient to determine the role of this variant in disease. Therefore, it has been classified as a Variant of Uncertain Significance.

NM_033402.5(LRRCC1):c.1000G>C (p.Glu334Gln)

Gene: LRRCC1 (leucine rich repeat and coiled-coil centrosomal protein 1; plus strand). Cytogenetic location: 8q21.2.
Variant type: single nucleotide variant.
Coding change: c.1000G>C on transcript NM_033402.5 (MANE Select); coding-DNA position 1000, G replaced by C.
Protein change: p.Glu334Gln; replaces glutamic acid 334 with glutamine.
Molecular consequence: missense variant. On other transcripts: intron variant (1).
Genome position (GRCh38, 1-based): chr8:85,123,482, G>C. VCF-style: chr8-85123482-G-C. GRCh37 (hg19) VCF-style: chr8-86035717-G-C.
Other names: c.721G>C, p.Glu241Gln (NM_001349636.2); c.574G>C, p.Glu192Gln (NM_001349637.2); c.103G>C, p.Glu35Gln (NM_001349638.2); c.-13-1310G>C (NM_001349639.2); short protein forms E334Q, E192Q, E35Q, E241Q.
Identifiers: ClinVar variation 1393756 (VCV001393756.6), dbSNP rs2135950246, ClinGen allele CA371417062.